The following is an entry in ClinVar:

ClinVar aggregate classification (germline): Pathogenic (1 of 4 stars; one submission).

Conditions:
Hyper-IgM syndrome type 5 (HIGM5). Also called: Hyper-IgM Immunodeficiency Syndrome, Type 5. Identifiers: Orphanet 101092, MedGen C1720958, MONDO:0011971, OMIM 608106.

Allele frequency attached by ClinVar (database versions not stated): TOPMed below 0.00001.

Submission:

3billion
Classification: Pathogenic for Hyper-IgM syndrome type 5. Last evaluated: 2022-05-22. Review status: criteria provided, single submitter. Criteria: ACMG Guidelines, 2015. Collection method: clinical testing. Allele origin: germline. Affected: yes. Observed: 1 homozygote.
Comment: The variant is not observed in the gnomAD v2.1.1 dataset. Frameshift: predicted to result in a loss or disruption of normal protein function through nonsense-mediated decay (NMD) or protein truncation. Multiple pathogenic variants are reported downstream of the variant. Therefore, this variant is classified as pathogenic according to the recommendation of ACMG/AMP guideline.

NM_080911.3(UNG):c.649dup (p.Thr217fs)

Gene: UNG (uracil DNA glycosylase; plus strand). Cytogenetic location: 12q24.11.
Variant type: Duplication.
Coding change: c.649dup on transcript NM_080911.3 (MANE Select); coding-DNA position 649, one base duplicated (A; older notation c.649dupA).
Protein change: p.Thr217fs; shifts the reading frame from threonine 217.
Molecular consequence: frameshift variant.
Genome position (GRCh38, 1-based): chr12:109,103,459, A duplicated. VCF-style (leftmost placement, unchanged base first): chr12-109103458-C-CA. GRCh37 (hg19) VCF-style: chr12-109541263-C-CA.
Other names: c.622dup, p.Thr208fs (NM_003362.4); short protein forms T208fs, T217fs.
Identifiers: ClinVar variation 1687471 (VCV001687471.1), dbSNP rs1302020618, ClinGen allele CA683362800.